The following is an entry in ClinVar:

NM_004278.4(PIGL):c.632T>C (p.Leu211Pro)

Gene: PIGL (phosphatidylinositol glycan anchor biosynthesis class L; plus strand). Cytogenetic location: 17p11.2.
Variant type: single nucleotide variant.
Coding change: c.632T>C on transcript NM_004278.4 (MANE Select); coding-DNA position 632, T replaced by C.
Protein change: p.Leu211Pro; replaces leucine 211 with proline.
Molecular consequence: missense variant. On other transcripts: synonymous variant (1).
Genome position (GRCh38, 1-based): chr17:16,317,880, T>C. VCF-style: chr17-16317880-T-C. GRCh37 (hg19) VCF-style: chr17-16221194-T-C.
Other names: c.600T>C, p.Ala200= (NM_001411072.1); short protein forms L211P.
Identifiers: ClinVar variation 2156875 (VCV002156875.1), dbSNP rs757408824, ClinGen allele CA8410004.
Genomic context (GRCh38, chr17:16,317,880, plus strand): 5'-ACATCTCCCTTCTGGATCTGCCCTTGTCTCTGCTTCATACGCAGGATGTCCTCTTCGTGC[T>C]CAACAGCAAAGAAGTGGCACAGGCCAAGGTGAGGATTGTAAATTCCTGGACACCCCAACT-3'
Protein context (NP_004269.1, residues 201-221): LLHTQDVLFV[Leu211Pro]NSKEVAQAKK

ClinVar aggregate classification (germline): Uncertain significance (1 of 4 stars; one submission).

Allele frequency attached by ClinVar (database versions not stated): gnomAD 0.00001; ExAC 0.00002; gnomAD exomes 0.00002; TOPMed 0.00003.
gnomAD v4.1: 15 of 1,613,708 alleles (0.00093%); highest among the groups gnomAD compares: Admixed American, 0.018%; no homozygotes.

Submission:

Labcorp Genetics (formerly Invitae), Labcorp
Classification: Uncertain significance. Last evaluated: 2022-08-15. Review status: criteria provided, single submitter. Criteria: Invitae Variant Classification Sherloc (09022015). Collection method: clinical testing. Allele origin: germline.
Comment: This sequence change replaces leucine, which is neutral and non-polar, with proline, which is neutral and non-polar, at codon 211 of the PIGL protein (p.Leu211Pro). This variant is present in population databases (rs757408824, gnomAD 0.03%). This variant has not been reported in the literature in individuals affected with PIGL-related conditions. Algorithms developed to predict the effect of missense changes on protein structure and function are either unavailable or do not agree on the potential impact of this missense change (SIFT: "Deleterious"; PolyPhen-2: "Probably Damaging"; Align-GVGD: "Class C0"). In summary, the available evidence is currently insufficient to determine the role of this variant in disease. Therefore, it has been classified as a Variant of Uncertain Significance.